The following is an entry in ClinVar:

ClinVar aggregate classification (germline): Pathogenic (1 of 4 stars; one submission).

Conditions:
Ehlers-Danlos syndrome, dermatosparaxis type. Also called: EDS VIIC; Dermatosparaxis; Ehlers-Danlos syndrome, type VII, autosomal recessive. Identifiers: Orphanet 1901, MedGen C2700425, MONDO:0009161, OMIM 225410.

Submission:

Myriad Genetics, Inc.
Classification: Pathogenic for Ehlers-Danlos syndrome, dermatosparaxis type. Last evaluated: 2024-05-14. Review status: criteria provided, single submitter. Criteria: Myriad Autosomal Dominant, Autosomal Recessive and X-Linked Classification Criteria (2023). Collection method: clinical testing. Allele origin: unknown.
Comment: NM_014244.4(ADAMTS2):c.85del1ins17(P29Sfs*42) is expected to be pathogenic in the context of Ehlers-Danlos syndrome, ADAMTS2-related. This variant is predicted to lead to an abnormal or absent protein product due to the creation of a premature termination codon in ADAMTS2, a gene where loss-of-function variants are known to be pathogenic. Please note: this variant was assessed in the context of healthy population screening.

NM_014244.5(ADAMTS2):c.85delinsTCTCTTATACACATCTG (p.Pro29fs)

Gene: ADAMTS2 (ADAM metallopeptidase with thrombospondin type 1 motif 2; minus strand). Cytogenetic location: 5q35.3.
Variant type: Indel.
Coding change: c.85delinsTCTCTTATACACATCTG on transcript NM_014244.5 (MANE Select); coding-DNA position 85, C replaced by TCTCTTATACACATCTG.
Protein change: p.Pro29fs; shifts the reading frame from proline 29.
Molecular consequence: frameshift variant.
Genome position (GRCh38, 1-based): chr5:179,345,244, G replaced by CAGATGTGTATAAGAGA on the plus strand (C replaced by TCTCTTATACACATCTG on the coding strand, the reverse complement: ADAMTS2 is on the minus strand). VCF-style: chr5-179345244-G-CAGATGTGTATAAGAGA. GRCh37 (hg19) VCF-style: chr5-178772245-G-CAGATGTGTATAAGAGA.
Other names: c.85delinsTCTCTTATACACATCTG, p.Pro29fs (NM_021599.4); short protein forms P29fs.
Identifiers: ClinVar variation 5010831 (VCV005010831.1).